The following is an entry in ClinVar:

NM_030665.4(RAI1):c.1138G>A (p.Gly380Arg)

Gene: RAI1 (retinoic acid induced 1; plus strand). Cytogenetic location: 17p11.2.
Variant type: single nucleotide variant.
Coding change: c.1138G>A on transcript NM_030665.4 (MANE Select); coding-DNA position 1138, G replaced by A.
Protein change: p.Gly380Arg; replaces glycine 380 with arginine.
Molecular consequence: missense variant.
Genome position (GRCh38, 1-based): chr17:17,794,086, G>A. VCF-style: chr17-17794086-G-A. GRCh37 (hg19) VCF-style: chr17-17697400-G-A.
Other names: short protein forms G380R.
Identifiers: ClinVar variation 1730415 (VCV001730415.5), dbSNP rs747782128, ClinGen allele CA8418278.

ClinVar aggregate classification (germline): Conflicting classifications of pathogenicity. Review status: criteria provided, conflicting classifications (1 of 4 stars). 3 submissions from 3 submitters: Uncertain significance (2); Benign (1). Last evaluated 2026-05-27.

Conditions:
RAI1-related disorder. Also called: RAI1-related condition.
Inborn genetic diseases. Identifiers: MedGen C0950123, MeSH D030342.

Allele frequency attached by ClinVar (database versions not stated): gnomAD exomes 0.00002; gnomAD 0.00003; TOPMed 0.00003; ExAC 0.00005.
gnomAD v4.1: 26 of 1,613,880 alleles (0.0016%); highest among the groups gnomAD compares: South Asian, 0.012%; no homozygotes.

Submissions (3):

PreventionGenetics, part of Exact Sciences
Classification: Uncertain significance for RAI1-related condition. Last evaluated: 2026-05-27. Review status: criteria provided, single submitter. Criteria: ACMG Guidelines, 2015. Collection method: clinical testing. Allele origin: germline.
Comment: The RAI1 c.1138G>A variant is predicted to result in the amino acid substitution p.Gly380Arg. To our knowledge, this variant has not been reported in the literature. This variant is reported in 0.020% of alleles in individuals of South Asian descent in gnomAD. Although we suspect that this variant may be benign, at this time, the clinical significance of this variant is uncertain due to the absence of conclusive functional and genetic evidence.

Labcorp Genetics (formerly Invitae), Labcorp
Classification: Uncertain significance. Last evaluated: 2025-04-02. Review status: criteria provided, single submitter. Criteria: Invitae Variant Classification Sherloc (09022015). Collection method: clinical testing. Allele origin: germline.
Comment: This sequence change replaces glycine, which is neutral and non-polar, with arginine, which is basic and polar, at codon 380 of the RAI1 protein (p.Gly380Arg). This variant is present in population databases (rs747782128, gnomAD 0.02%). This variant has not been reported in the literature in individuals affected with RAI1-related conditions. ClinVar contains an entry for this variant (Variation ID: 1730415). Invitae Evidence Modeling of protein sequence and biophysical properties (such as structural, functional, and spatial information, amino acid conservation, physicochemical variation, residue mobility, and thermodynamic stability) has been performed for this missense variant. However, the output from this modeling did not meet the statistical confidence thresholds required to predict the impact of this variant on RAI1 protein function. In summary, the available evidence is currently insufficient to determine the role of this variant in disease. Therefore, it has been classified as a Variant of Uncertain Significance.

Ambry Genetics
Classification: Benign for Inborn genetic diseases. Last evaluated: 2019-02-20. Review status: criteria provided, single submitter. Criteria: Ambry Variant Classification Scheme 2023. Collection method: clinical testing. Allele origin: germline.